The following is an entry in ClinVar:

NM_003128.3(SPTBN1):c.6309C>T (p.Pro2103=)

Gene: SPTBN1 (spectrin beta, non-erythrocytic 1; plus strand). Cytogenetic location: 2p16.2.
Variant type: single nucleotide variant.
Coding change: c.6309C>T on transcript NM_003128.3 (MANE Select); coding-DNA position 6309, C replaced by T.
Protein change: p.Pro2103=; no amino-acid change (proline 2103 retained).
Molecular consequence: synonymous variant.
Genome position (GRCh38, 1-based): chr2:54,659,219, C>T. VCF-style: chr2-54659219-C-T. GRCh37 (hg19) VCF-style: chr2-54886356-C-T.
Other names: c.6270C>T, p.Pro2090= (NM_178313.3).
Identifiers: ClinVar variation 3904836 (VCV003904836.12).
Genomic context (GRCh38, chr2:54,659,219, plus strand): 5'-GTTACTGGAAGTGCGCAGACAGCAAGAGGAAGAGGAGAGGAAGAGGCGGCCGCCTTCTCC[C>T]GAGCCGAGCACGAAGGTTTCAGAGGAAGCCGAGTCCCAGCAGCAGTGGTGAGTCCCAGCA-3'
Protein context (NP_003119.2, residues 2093-2113): EEERKRRPPS[Pro2103=]EPSTKVSEEA

ClinVar aggregate classification (germline): Likely benign. Review status: criteria provided, multiple submitters, no conflicts (2 of 4 stars). 3 submissions from 3 submitters: Likely benign (3). Last evaluated 2025-05-01.

gnomAD v4.1: 515 of 1,613,928 alleles (0.032%); highest among the groups gnomAD compares: Non-Finnish European, 0.039%; no homozygotes.

Submissions (3):

CeGaT Center for Human Genetics Tuebingen
Classification: Likely benign. Last evaluated: 2025-05-01. Review status: criteria provided, single submitter. Criteria: CeGaT Center For Human Genetics Tuebingen Variant Classification Criteria Version 2. Collection method: clinical testing. Allele origin: germline. Affected: yes. Observed: 1 variant allele.
Comment: SPTBN1: BP4, BP7

Laboratory of Genetics, Children's Clinical University Hospital Latvia
Classification: Likely benign. Last evaluated: 2025-02-16. Review status: criteria provided, single submitter. Criteria: ACMG Guidelines, 2015. Collection method: clinical testing. Allele origin: germline. Affected: yes.

Blueprint Genetics
Classification: Likely benign. Last evaluated: 2024-10-29. Review status: criteria provided, single submitter. Criteria: ACMG Guidelines, 2015. Collection method: clinical testing. Allele origin: germline.